The following is an entry in ClinVar:

ClinVar aggregate classification (germline): Conflicting classifications of pathogenicity. Review status: criteria provided, conflicting classifications (1 of 4 stars). 7 submissions from 7 submitters: Uncertain significance (4); Likely benign (2). 1 of the submissions does not count toward it. Last evaluated 2025-11-04.

Conditions:
Breast-ovarian cancer, familial, susceptibility to, 2 (BROVCA2). Also called: BRCA2 Hereditary Breast and Ovarian Cancer. Identifiers: Orphanet 145, MedGen C2675520, MONDO:0012933, OMIM 612555. Disease mechanism: loss of function.
BRCA2-related cancer predisposition. Identifiers: MedGen CN377758, MONDO:0700269.
Hereditary cancer-predisposing syndrome. Also called: Hereditary Cancer Syndrome; Hereditary neoplastic syndrome; Tumor predisposition; Neoplastic Syndromes, Hereditary. Identifiers: Orphanet 140162, MedGen C0027672, MeSH D009386, MONDO:0015356.
Hereditary breast ovarian cancer syndrome. Also called: Hereditary breast and ovarian cancer syndrome; BRCA1- and BRCA2-Associated Hereditary Breast and Ovarian Cancer; Hereditary breast and ovarian cancer syndrome (HBOC); Hereditary breast and/or ovarian cancer syndrome; Hereditary breast and ovarian cancer; Breast and ovarian cancer. Identifiers: Orphanet 145, MedGen C0677776, MeSH D061325, MONDO:0003582. Disease mechanism: loss of function.

Allele frequency attached by ClinVar (database versions not stated): TOPMed below 0.00001; ExAC 0.00001; gnomAD exomes 0.00001; gnomAD 0.00003.
gnomAD v4.1: 5 of 1,613,762 alleles (0.00031%); highest among the groups gnomAD compares: Non-Finnish European, 0.00042%; no homozygotes.

Submissions (7):

Labcorp Genetics (formerly Invitae), Labcorp
Classification: Uncertain significance for Hereditary breast ovarian cancer syndrome. Last evaluated: 2025-11-04. Review status: criteria provided, single submitter. Criteria: Invitae Variant Classification Sherloc (09022015). Collection method: clinical testing. Allele origin: germline.
Comment: This sequence change replaces glutamine, which is neutral and polar, with glutamic acid, which is acidic and polar, at codon 407 of the BRCA2 protein (p.Gln407Glu). This variant is present in population databases (rs781079248, gnomAD 0.002%). This missense change has been observed in individual(s) with personal and/or family history of breast and/or ovarian cancer (PMID: 21120943, 22711857, 29310832). ClinVar contains an entry for this variant (Variation ID: 441308). Invitae Evidence Modeling of protein sequence and biophysical properties (such as structural, functional, and spatial information, amino acid conservation, physicochemical variation, residue mobility, and thermodynamic stability) indicates that this missense variant is not expected to disrupt BRCA2 protein function with a negative predictive value of 95%. In summary, the available evidence is currently insufficient to determine the role of this variant in disease. Therefore, it has been classified as a Variant of Uncertain Significance.

Color Diagnostics, LLC DBA Color Health
Classification: Likely benign for Hereditary cancer-predisposing syndrome. Last evaluated: 2025-05-06. Review status: criteria provided, single submitter. Criteria: ACMG Guidelines, 2015. Collection method: clinical testing. Allele origin: germline.

Ambry Genetics
Classification: Uncertain significance for Hereditary cancer-predisposing syndrome. Last evaluated: 2024-07-09. Review status: criteria provided, single submitter. Criteria: Ambry Variant Classification Scheme 2023. Collection method: clinical testing. Allele origin: germline.
Comment: The p.Q407E variant (also known as c.1219C>G), located in coding exon 9 of the BRCA2 gene, results from a C to G substitution at nucleotide position 1219. The glutamine at codon 407 is replaced by glutamic acid, an amino acid with highly similar properties. This variant has been observed in 1/1001 patients with non-mucinous ovarian carcinoma (Alsop K et al. J. Clin. Oncol. 2012 Jul;30:2654-63), in 1/1525 unrelated patients with a personal and/or family history suggestive of Hereditary Breast and/or Ovarian Cancer (Caux-Moncoutier V et al. Hum. Mutat. 2011 Mar;32:325-34), and in 1/898 Greek families who underwent BRCA1/2 testing (Apessos A et al. Cancer Genet, 2018 01;220:1-12). This amino acid position is well conserved in available vertebrate species. In addition, this alteration is predicted to be tolerated by in silico analysis. Based on the available evidence, the clinical significance of this variant remains unclear.

All of Us Research Program, National Institutes of Health
Classification: Uncertain significance for BRCA2-related cancer predisposition. Last evaluated: 2024-03-05. Review status: criteria provided, single submitter. Criteria: ACMG Guidelines, 2015. Collection method: clinical testing. Allele origin: germline. Inheritance: Autosomal dominant inheritance. Observed: 2 variant alleles, 2 heterozygotes.
Comment: This missense variant replaces glutamine with glutamic acid at codon 407 of the BRCA2 protein. Computational prediction suggests that this variant may not impact protein structure and function (internally defined REVEL score threshold <= 0.5, PMID: 27666373). Splice site prediction tools suggest that this variant may not impact RNA splicing. To our knowledge, functional studies have not been performed for this variant. This variant has been reported in a few individuals affected with breast or ovarian cancer (PMID: 21120943, 22711857, 31409081) and individual referred for BRCA1/2 screening (PMID: 29310832). This variant has been identified in 3/281592 chromosomes in the general population by the Genome Aggregation Database (gnomAD). The available evidence is insufficient to determine the role of this variant in disease conclusively. Therefore, this variant is classified as a Variant of Uncertain Significance.

This study involves interpretation of variants in research participants for the purpose of population health screening. Participant phenotype was not available at the time of variant classification. Additional details can be found in publication PMID: 35346344, PMCID: PMC8962531

University of Washington Department of Laboratory Medicine, University of Washington
Classification: Likely benign for Hereditary cancer-predisposing syndrome. Last evaluated: 2023-03-23. Review status: criteria provided, single submitter. Criteria: Dines et al. (Genet Med. 2020). Collection method: curation. Allele origin: germline.
Comment: Missense variant in a coldspot region where missense variants are very unlikely to be pathogenic (PMID:31911673).

BRCA2 exon 10 coldspot. Reclassification based on statistical prior probability.

Women's Health and Genetics/Laboratory Corporation of America, LabCorp
Classification: Uncertain significance. Last evaluated: 2017-12-21. Review status: criteria provided, single submitter. Criteria: LabCorp Variant Classification Summary - May 2015. Collection method: clinical testing. Allele origin: germline.
Comment: Variant summary: The BRCA2 c.1219C>G (p.Gln407Glu) variant involves the alteration of a non-conserved nucleotide and 3/5 in silico tools predict a damaging outcome for this variant. However, these predictions have yet to be functionally assessed. This variant was found in 2/245832 control chromosomes (gnomAD) at a frequency of 0.0000081, which does not exceed the estimated maximal expected allele frequency of a pathogenic BRCA2 variant (0.0007503). Multiple publications have cited the variant in affected individuals, however, with limited information (ie, lack of cosegregation and/or co-occurrence information). In addition, a clinical diagnostic laboratory and reputable database classified this variant as uncertain significance. However, one database does cite the variant to co-occur with a pathogenic BRCA2 variant, c.3599_3600delGT (Cys1200X - Scored DV). Taken together, this variant is classified as a "Variant of Uncertain Significance - Possibly Benign," until additional information becomes available.

Department of Pathology and Laboratory Medicine, Sinai Health System
Classification: Uncertain significance for Breast-ovarian cancer, familial, susceptibility to, 2. Review status: no assertion criteria provided. Collection method: clinical testing. Allele origin: unknown. Affected: yes. Study: The Canadian Open Genetics Repository (COGR). Not counted in ClinVar's aggregate classification.
Comment: The BRCA2 p.Gln407Glu variant was identified in 2 of 5052 proband chromosomes (frequency: 0.0004) from individuals or families with breast or ovarian cancer (Alsop 2012, Caux-Moncoutier 2011). The variant was also identified in dbSNP (ID: rs781079248) as "With Pathogenic, Uncertain significance allele", ClinVar (classified as uncertain significance by Ambry Genetics and Color), LOVD 3.0 (1x), and in UMD-LSDB (1x as unclassified variant). The variant was identified in control databases in 2 of 245832 chromosomes at a frequency of 0.000008 (Genome Aggregation Database Feb 27, 2017). The variant was observed in the European population in 2 of 111520 chromosomes (freq: 0.00002), while the variant was not observed in the African, Other, Latino, Ashkenazi Jewish, East Asian, Finnish, or South Asian populations. The p.Gln407 residue is conserved in mammals but not in more distantly related organisms however four out of five computational analyses (PolyPhen-2, SIFT, AlignGVGD, BLOSUM, MutationTaster) do not suggest a high likelihood of impact to the protein; this information is not predictive enough to rule out pathogenicity. The variant occurs outside of the splicing consensus sequence and in silico or computational prediction software programs (SpliceSiteFinder, MaxEntScan, NNSPLICE, GeneSplicer) do not predict a difference in splicing. In summary, based on the above information, the clinical significance of this variant cannot be determined with certainty at this time. This variant is classified as a variant of uncertain significance.

Literature cited by the submitters: PubMed 21120943 (cited by 4 submitters); PubMed 22711857 (cited by 3 submitters); PubMed 29310832 (cited by 3 submitters); PubMed 31409081 (cited by All of Us Research Program, National Institutes of Health).

NM_000059.4(BRCA2):c.1219C>G (p.Gln407Glu)

Gene: BRCA2 (BRCA2 DNA repair associated; plus strand). Cytogenetic location: 13q13.1.
Variant type: single nucleotide variant.
Coding change: c.1219C>G on transcript NM_000059.4 (MANE Select); coding-DNA position 1219, C replaced by G.
Protein change: p.Gln407Glu; replaces glutamine 407 with glutamic acid.
Molecular consequence: missense variant.
Genome position (GRCh38, 1-based): chr13:32,332,697, C>G. VCF-style: chr13-32332697-C-G. GRCh37 (hg19) VCF-style: chr13-32906834-C-G.
Other names: short protein forms Q407E.
Identifiers: ClinVar variation 441308 (VCV000441308.23), dbSNP rs781079248, ClinGen allele CA6940499.